The following is an entry in ClinVar:

ClinVar aggregate classification (germline): Uncertain significance. Review status: criteria provided, multiple submitters, no conflicts (2 of 4 stars). 2 submissions from 2 submitters: Uncertain significance (2). Last evaluated 2023-05-20.

Conditions:
HYPERHOMOCYSTEINEMIA, THROMBOTIC, CBS-RELATED. Identifiers: MedGen C3150344, OMIM 236200.
Classic homocystinuria. Also called: HOMOCYSTINURIA WITH OR WITHOUT RESPONSE TO PYRIDOXINE; Homocystinuria due to Cystathionine Beta-Synthase Deficiency; Homocystinuria due to CBS deficiency; Cystathionine beta-synthase deficiency; CBS deficiency. Identifiers: Orphanet 394, MedGen C0751202, MONDO:0009352, OMIM 236200.

Allele frequency attached by ClinVar (database versions not stated): gnomAD exomes below 0.00001; ExAC 0.00001.

Submissions (2):

Neuberg Centre For Genomic Medicine, NCGM
Classification: Uncertain significance for Classic homocystinuria. Last evaluated: 2023-05-20. Review status: criteria provided, single submitter. Criteria: ACMG Guidelines, 2015. Collection method: clinical testing. Allele origin: germline. Inheritance: Autosomal recessive inheritance. Affected: yes.
Comment: The observed missense variant c.155G>A(p.Cys52Tyr) in the CBS gene has not been reported previously as a pathogenic variant nor as a benign variant, to our knowledge. This variant is reported with the allele frequency 0.0004% in the gnomAD Exomes. This variant has been reported to the ClinVar database as Uncertain significance. However no details are available for independent assessment. A different amino acid change (p.C52R) affecting the same codon has been reported in compound heterozygous state in one individual with Hyperhomocysteinemia (An H, et al., 2018). The amino acid Cysteine at position 52 is changed to a Tyrosine changing protein sequence and it might alter its composition and physico-chemical properties. Multiple lines of computational evidence (Polyphen - Damaging, SIFT - Damaging and MutationTaster - Disease causing) predict a damaging effect on protein structure and function for this variant. The residue is conserved by GERP++ and PhyloP across 100 vertebrates. Additional studies are required to determine the pathogenicity of this variant. For these reasons, this variant has been classified as Uncertain Significance.

Labcorp Genetics (formerly Invitae), Labcorp
Classification: Uncertain significance for HYPERHOMOCYSTEINEMIA, THROMBOTIC, CBS-RELATED. Last evaluated: 2021-08-31. Review status: criteria provided, single submitter. Criteria: Invitae Variant Classification Sherloc (09022015). Collection method: clinical testing. Allele origin: germline.
Comment: This sequence change replaces cysteine with tyrosine at codon 52 of the CBS protein (p.Cys52Tyr). The cysteine residue is moderately conserved and there is a large physicochemical difference between cysteine and tyrosine. This variant is present in population databases (rs779777933, ExAC 0.006%). This missense change has been observed in individual(s) with cystathionine beta-synthase deficiency (Invitae). ClinVar contains an entry for this variant (Variation ID: 538697). Algorithms developed to predict the effect of missense changes on protein structure and function are either unavailable or do not agree on the potential impact of this missense change (SIFT: "Deleterious"; PolyPhen-2: "Probably Damaging"; Align-GVGD: "Class C0"). This variant disrupts the p.Cys52 amino acid residue in CBS. Other variant(s) that disrupt this residue have been observed in individuals with CBS-related conditions (PMID: 30246729; Invitae), which suggests that this may be a clinically significant amino acid residue. In summary, the available evidence is currently insufficient to determine the role of this variant in disease. Therefore, it has been classified as a Variant of Uncertain Significance.

Literature cited by the submitters: PubMed 30246729 (cited by Labcorp Genetics (formerly Invitae), Labcorp).

NM_000071.3(CBS):c.155G>A (p.Cys52Tyr)

Gene: CBS (cystathionine beta-synthase; minus strand). Cytogenetic location: 21q22.3.
Variant type: single nucleotide variant.
Coding change: c.155G>A on transcript NM_000071.3 (MANE Select); coding-DNA position 155, G replaced by A.
Protein change: p.Cys52Tyr; replaces cysteine 52 with tyrosine.
Molecular consequence: missense variant.
Genome position (GRCh38, 1-based): chr21:43,072,039, C>T on the plus strand (G>A on the coding strand, the complement: CBS is on the minus strand). VCF-style: chr21-43072039-C-T. GRCh37 (hg19) VCF-style: chr21-44492149-C-T.
Other names: c.155G>A, p.Cys52Tyr (NM_001178008.3, NM_001178009.3, NM_001320298.2); short protein forms C52Y.
Identifiers: ClinVar variation 538697 (VCV000538697.8), dbSNP rs779777933, ClinGen allele CA321103843.